The following is an entry in ClinVar:

NM_005154.5(USP8):c.578C>T (p.Thr193Met)

Gene: USP8 (ubiquitin specific peptidase 8; plus strand). Cytogenetic location: 15q21.2.
Variant type: single nucleotide variant.
Coding change: c.578C>T on transcript NM_005154.5 (MANE Select); coding-DNA position 578, C replaced by T.
Protein change: p.Thr193Met; replaces threonine 193 with methionine.
Molecular consequence: missense variant.
Genome position (GRCh38, 1-based): chr15:50,465,083, C>T. VCF-style: chr15-50465083-C-T. GRCh37 (hg19) VCF-style: chr15-50757280-C-T.
Other names: c.578C>T, p.Thr193Met (NM_001128610.3); c.347C>T, p.Thr116Met (NM_001283049.2); short protein forms T116M, T193M.
Identifiers: ClinVar variation 2854846 (VCV002854846.3), dbSNP rs368365577, ClinGen allele CA270479205.

ClinVar aggregate classification (germline): Uncertain significance (1 of 4 stars; one submission).

Conditions:
Hereditary spastic paraplegia. Also called: Familial spastic paraparesis. Identifiers: Orphanet 685, MedGen C0037773, MONDO:0019064. Disease mechanism: loss of function.

Allele frequency attached by ClinVar (database versions not stated): TOPMed below 0.00001.

Submission:

Labcorp Genetics (formerly Invitae), Labcorp
Classification: Uncertain significance for Hereditary spastic paraplegia. Last evaluated: 2023-03-14. Review status: criteria provided, single submitter. Criteria: Invitae Variant Classification Sherloc (09022015). Collection method: clinical testing. Allele origin: germline.
Comment: Algorithms developed to predict the effect of missense changes on protein structure and function output the following: SIFT: "Not Available"; PolyPhen-2: "Benign"; Align-GVGD: "Not Available". The methionine amino acid residue is found in multiple mammalian species, which suggests that this missense change does not adversely affect protein function. In summary, the available evidence is currently insufficient to determine the role of this variant in disease. Therefore, it has been classified as a Variant of Uncertain Significance. This variant has not been reported in the literature in individuals affected with USP8-related conditions. This variant is not present in population databases (gnomAD no frequency). This sequence change replaces threonine, which is neutral and polar, with methionine, which is neutral and non-polar, at codon 193 of the USP8 protein (p.Thr193Met).